The following is an entry in ClinVar:

NM_020800.3(IFT80):c.2318T>C (p.Ile773Thr)

Genes: TRIM59-IFT80 (TRIM59-IFT80 readthrough (NMD candidate); minus strand), IFT80 (intraflagellar transport 80; minus strand). Cytogenetic location: 3q25.33.
Variant type: single nucleotide variant.
Coding change: c.2318T>C on transcript NM_020800.3 (MANE Select); coding-DNA position 2318, T replaced by C.
Protein change: p.Ile773Thr; replaces isoleucine 773 with threonine.
Molecular consequence: missense variant. On other transcripts: non-coding transcript variant (3).
Genome position (GRCh38, 1-based): chr3:160,258,541, A>G on the plus strand (T>C on the coding strand, the complement: IFT80 is on the minus strand). VCF-style: chr3-160258541-A-G. GRCh37 (hg19) VCF-style: chr3-159976329-A-G.
Other names: c.1907T>C, p.Ile636Thr (NM_001190241.2, NM_001190242.2); short protein forms I773T, I636T.
Identifiers: ClinVar variation 1983149 (VCV001983149.4), dbSNP rs2473034628, ClinGen allele CA355249561.
Genomic context (GRCh38, chr3:160,258,541, plus strand): 5'-AACGTGTTTCAAAAGATAAAATTTCTTAAAGATACGCATGGCATTTAGGGCTTTAAACCT[A>G]TACTCTTGCTGGATTGGCTGCTTGATGATTGCTCTCTTTCTTTTGTAATTTCCATCTCAA-3'
Protein context (NP_065851.1, residues 763-777): QSSSSQSSKS[Ile773Thr]GLKP

ClinVar aggregate classification (germline): Uncertain significance (1 of 4 stars; one submission).

Conditions:
Jeune thoracic dystrophy. Also called: Jeune syndrome; Infantile thoracic dystrophy; Thoracic pelvic phalangeal dystrophy; Jeune's syndrome; Chondroectodermal dysplasia-like syndrome; Short-rib thoracic dysplasia. Identifiers: Orphanet 474, MedGen C0265275, MONDO:0018770.

Submission:

Labcorp Genetics (formerly Invitae), Labcorp
Classification: Uncertain significance for Jeune thoracic dystrophy. Last evaluated: 2022-06-13. Review status: criteria provided, single submitter. Criteria: Invitae Variant Classification Sherloc (09022015). Collection method: clinical testing. Allele origin: germline.
Comment: In summary, the available evidence is currently insufficient to determine the role of this variant in disease. Therefore, it has been classified as a Variant of Uncertain Significance. Algorithms developed to predict the effect of missense changes on protein structure and function output the following: SIFT: "Tolerated"; PolyPhen-2: "Benign"; Align-GVGD: "Class C0". The threonine amino acid residue is found in multiple mammalian species, which suggests that this missense change does not adversely affect protein function. This variant has not been reported in the literature in individuals affected with IFT80-related conditions. This variant is not present in population databases (gnomAD no frequency). This sequence change replaces isoleucine, which is neutral and non-polar, with threonine, which is neutral and polar, at codon 773 of the IFT80 protein (p.Ile773Thr).